The following is an entry in ClinVar:

NM_000182.5(HADHA):c.315-4_317delinsTGCAGCAAGG

Gene: HADHA (hydroxyacyl-CoA dehydrogenase trifunctional multienzyme complex subunit alpha; minus strand). Cytogenetic location: 2p23.3.
Variant type: Indel.
Coding change: c.315-4_317delinsTGCAGCAAGG on transcript NM_000182.5 (MANE Select); 4 bases into the intron before coding-DNA position 315 through coding-DNA position 317, GCAGCAT replaced by TGCAGCAAGG.
Molecular consequence: splice acceptor variant.
Genome position (GRCh38, 1-based): chr2:26,234,353-26,234,359, ATGCTGC replaced by CCTTGCTGCA on the plus strand (GCAGCAT replaced by TGCAGCAAGG on the coding strand, the reverse complement: HADHA is on the minus strand). VCF-style: chr2-26234353-ATGCTGC-CCTTGCTGCA. GRCh37 (hg19) VCF-style: chr2-26457221-ATGCTGC-CCTTGCTGCA.
Identifiers: ClinVar variation 4817874 (VCV004817874.1).

ClinVar aggregate classification (germline): Pathogenic (1 of 4 stars; one submission).

Conditions:
Long chain 3-hydroxyacyl-CoA dehydrogenase deficiency. Also called: Deficiency of long-chain 3-hydroxyacyl-coenzyme A dehydrogenase; LCHAD Deficiency. Identifiers: Orphanet 5, MedGen C3711645, MONDO:0012173, OMIM 609016.

Submission:

Natera, Inc.
Classification: Pathogenic for Deficiency of long-chain 3-hydroxyacyl-coenzyme A dehydrogenase. Last evaluated: 2025-02-25. Review status: criteria provided, single submitter. Criteria: Natera Variant Classification Schema (03/2026). Collection method: clinical testing. Allele origin: germline.
Comment: The c.315-4_317delinsTGCAGCAAGG variant in HADHA is a deletion-insertion (delins) variant predicted to replace one or more nucleotides with a different sequence. This variant is expected to result in nonsense mediated decay, truncation, or a dysfunctional protein product. This variant is rare in the general population with a frequency below the threshold expected for the associated phenotype(s). Another variant at this same site results in an alteration predicted to cause a similar molecular effect has been observed in individual(s) with the associated phenotype. Given the available evidence, this variant is classified as Pathogenic.